The following is an entry in ClinVar:

NM_001018005.2(TPM1):c.67G>C (p.Glu23Gln)

Gene: TPM1 (tropomyosin 1; plus strand). Cytogenetic location: 15q22.2.
Variant type: single nucleotide variant.
Coding change: c.67G>C on transcript NM_001018005.2 (MANE Select); coding-DNA position 67, G replaced by C.
Protein change: p.Glu23Gln; replaces glutamic acid 23 with glutamine.
Molecular consequence: missense variant.
Genome position (GRCh38, 1-based): chr15:63,042,896, G>C. VCF-style: chr15-63042896-G-C. GRCh37 (hg19) VCF-style: chr15-63335095-G-C.
Other names: c.67G>C, p.Glu23Gln (NM_000366.6, NM_001018004.2, NM_001018006.2 and 7 more transcripts); short protein forms E23Q.
Identifiers: ClinVar variation 31893 (VCV000031893.10), dbSNP rs199476302, ClinGen allele CA019276.

ClinVar aggregate classification (germline): Uncertain significance. Review status: criteria provided, single submitter (1 of 4 stars). 2 submissions from 2 submitters: Uncertain significance (1). 1 of the submissions does not count toward it. Last evaluated 2022-12-06.

Conditions:
Hypertrophic cardiomyopathy. Also called: HYPERTROPHIC MYOCARDIOPATHY. Identifiers: Orphanet 217569, MedGen C0007194, MeSH D002312, MONDO:0005045, HP:0001639.

Submissions (2):

Labcorp Genetics (formerly Invitae), Labcorp
Classification: Uncertain significance for Hypertrophic cardiomyopathy. Last evaluated: 2022-12-06. Review status: criteria provided, single submitter. Criteria: Invitae Variant Classification Sherloc (09022015). Collection method: clinical testing. Allele origin: germline.
Comment: Algorithms developed to predict the effect of missense changes on protein structure and function are either unavailable or do not agree on the potential impact of this missense change (SIFT: "Tolerated"; PolyPhen-2: "Probably Damaging"; Align-GVGD: "Class C0"). In summary, the available evidence is currently insufficient to determine the role of this variant in disease. Therefore, it has been classified as a Variant of Uncertain Significance. ClinVar contains an entry for this variant (Variation ID: 31893). This missense change has been observed in individual(s) with dilated cardiomyopathy (PMID: 20215591). This variant is not present in population databases (gnomAD no frequency). This sequence change replaces glutamic acid, which is acidic and polar, with glutamine, which is neutral and polar, at codon 23 of the TPM1 protein (p.Glu23Gln).

Leiden Muscular Dystrophy (TPM1)
No classification provided. Last evaluated: 2012-04-15. Review status: no classification provided. Collection method: curation. Allele origin: germline. Not counted in ClinVar's aggregate classification.

Literature cited by the submitters: PubMed 20215591 (cited by Labcorp Genetics (formerly Invitae), Labcorp).